The following is an entry in ClinVar:

ClinVar aggregate classification (germline): Likely benign. Review status: criteria provided, multiple submitters, no conflicts (2 of 4 stars). 4 submissions from 4 submitters: Likely benign (4). Last evaluated 2025-01-09.

Conditions:
Familial hypercholesterolemia. Also called: Familial hypercholesterolemias; Familial hypercholesterolaemia. Identifiers: MedGen C0020445, MONDO:0005439.
Cardiovascular phenotype. Identifiers: MedGen CN230736.
Familial hypobetalipoproteinemia 1. Also called: Hypobetalipoproteinemia, normotriglyceridemic; Acanthocytosis with hypobetalipoproteinemia; APOB-Related Familial Hypobetalipoproteinemia. Identifiers: MedGen C4551990, MONDO:0014252, OMIM 615558.
Hypercholesterolemia, autosomal dominant, type B (FHCL2). Also called: Familial Hypercholesterolemia Type B; HYPERCHOLESTEROLEMIA, FAMILIAL, DUE TO LIGAND-DEFECTIVE APOLIPOPROTEIN B; Familial hypercholesterolemia 2; APOB-Related Familial Hypercholesterolemia, Autosomal Dominant; APOLIPOPROTEIN B-100, FAMILIAL DEFECTIVE; APOLIPOPROTEIN B-100, FAMILIAL LIGAND-DEFECTIVE. Identifiers: MedGen C1704417, MONDO:0007751, OMIM 144010.

Allele frequency attached by ClinVar (database versions not stated): gnomAD exomes below 0.00001 and 0.00001; gnomAD 0.00001; TOPMed 0.00001.
gnomAD v4.1: 6 of 1,613,970 alleles (0.00037%); highest among the groups gnomAD compares: Admixed American, 0.0017%; no homozygotes.

Submissions (4):

GENinCode PLC
Classification: Likely benign for Familial hypercholesterolemia. Last evaluated: 2025-01-09. Review status: criteria provided, single submitter. Criteria: ACMG Guidelines, 2015. Collection method: clinical testing. Allele origin: germline.
Comment: This is a synonymous (silent) variant that is not predicted to impact splicing and occurs at a nucleotide which is not highly conserved. This variant has been classified as Likely Benign (BP4, BP7).

Labcorp Genetics (formerly Invitae), Labcorp
Classification: Likely benign for Familial hypobetalipoproteinemia 1; Hypercholesterolemia, autosomal dominant, type B. Last evaluated: 2024-05-13. Review status: criteria provided, single submitter. Criteria: Invitae Variant Classification Sherloc (09022015). Collection method: clinical testing. Allele origin: germline.

ARUP Laboratories, Molecular Genetics and Genomics, ARUP Laboratories
Classification: Likely benign. Last evaluated: 2023-08-07. Review status: criteria provided, single submitter. Criteria: ARUP Molecular Germline Variant Investigation Process 2024. Collection method: clinical testing. Allele origin: germline.

Ambry Genetics
Classification: Likely benign for Cardiovascular phenotype. Last evaluated: 2021-11-19. Review status: criteria provided, single submitter. Criteria: Ambry Variant Classification Scheme 2023. Collection method: clinical testing. Allele origin: germline.

NM_000384.3(APOB):c.5490C>T (p.Ala1830=)

Gene: APOB (apolipoprotein B; minus strand). Cytogenetic location: 2p24.1.
Variant type: single nucleotide variant.
Coding change: c.5490C>T on transcript NM_000384.3 (MANE Select); coding-DNA position 5490, C replaced by T.
Protein change: p.Ala1830=; no amino-acid change (alanine 1830 retained).
Molecular consequence: synonymous variant.
Genome position (GRCh38, 1-based): chr2:21,011,378, G>A on the plus strand (C>T on the coding strand, the complement: APOB is on the minus strand). VCF-style: chr2-21011378-G-A. GRCh37 (hg19) VCF-style: chr2-21234250-G-A.
Identifiers: ClinVar variation 918248 (VCV000918248.9), dbSNP rs886055585, ClinGen allele CA43506657.